The following is an entry in ClinVar:

ClinVar aggregate classification (germline): Uncertain significance (1 of 4 stars; one submission).

Submission:

Labcorp Genetics (formerly Invitae), Labcorp
Classification: Uncertain significance. Last evaluated: 2022-12-04. Review status: criteria provided, single submitter. Criteria: Invitae Variant Classification Sherloc (09022015). Collection method: clinical testing. Allele origin: germline.
Comment: In summary, the available evidence is currently insufficient to determine the role of this variant in disease. Therefore, it has been classified as a Variant of Uncertain Significance. This sequence change creates a premature translational stop signal (p.Asp9Metfs*3) in the IL23R gene. It is expected to result in an absent or disrupted protein product. However, the current clinical and genetic evidence is not sufficient to establish whether loss-of-function variants in IL23R cause disease. This variant is not present in population databases (gnomAD no frequency). This variant has not been reported in the literature in individuals affected with IL23R-related conditions.

NM_144701.3(IL23R):c.25del (p.Asp9fs)

Gene: IL23R (interleukin 23 receptor; plus strand). Cytogenetic location: 1p31.3.
Variant type: Deletion.
Coding change: c.25del on transcript NM_144701.3 (MANE Select); coding-DNA position 25, one base deleted (G; older notation c.25delG).
Protein change: p.Asp9fs; shifts the reading frame from aspartic acid 9.
Molecular consequence: frameshift variant.
Genome position (GRCh38, 1-based): chr1:67,168,145, G deleted; the last of 3 consecutive G bases (chr1:67,168,143-67,168,145); deleting any one gives the same sequence. VCF-style (leftmost placement, unchanged base first): chr1-67168142-TG-T. GRCh37 (hg19) VCF-style: chr1-67633825-TG-T.
Other names: short protein forms D9fs.
Identifiers: ClinVar variation 2815875 (VCV002815875.3), dbSNP rs2525198425, ClinGen allele CA2739272621.